The following is an entry in ClinVar:

NM_178013.4(PRIMA1):c.394G>A (p.Val132Ile)

Gene: PRIMA1 (proline rich membrane anchor 1; minus strand). Cytogenetic location: 14q32.12.
Variant type: single nucleotide variant.
Coding change: c.394G>A on transcript NM_178013.4 (MANE Select); coding-DNA position 394, G replaced by A.
Protein change: p.Val132Ile; replaces valine 132 with isoleucine.
Molecular consequence: missense variant.
Genome position (GRCh38, 1-based): chr14:93,721,512, C>T on the plus strand (G>A on the coding strand, the complement: PRIMA1 is on the minus strand). VCF-style: chr14-93721512-C-T. GRCh37 (hg19) VCF-style: chr14-94187858-C-T.
Other names: short protein forms V132I.
Identifiers: ClinVar variation 939389 (VCV000939389.8), dbSNP rs761493685, ClinGen allele CA7323006.

ClinVar aggregate classification (germline): Uncertain significance (1 of 4 stars; one submission).

Conditions:
Familial sleep-related hypermotor epilepsy. Also called: Autosomal Dominant Sleep-Related Hypermotor (Hyperkinetic) Epilepsy. Identifiers: Orphanet 98784, MedGen C3696898, MONDO:0000030.

Allele frequency attached by ClinVar (database versions not stated): gnomAD 0.00001 and 0.00002; gnomAD exomes 0.00001; ExAC 0.00002; TOPMed 0.00003.
gnomAD v4.1: 13 of 1,613,700 alleles (0.00081%); highest among the groups gnomAD compares: African/African-American, 0.0027%; no homozygotes.

Submission:

Labcorp Genetics (formerly Invitae), Labcorp
Classification: Uncertain significance for Familial sleep-related hypermotor epilepsy. Last evaluated: 2023-07-17. Review status: criteria provided, single submitter. Criteria: Invitae Variant Classification Sherloc (09022015). Collection method: clinical testing. Allele origin: germline.
Comment: This sequence change replaces valine, which is neutral and non-polar, with isoleucine, which is neutral and non-polar, at codon 132 of the PRIMA1 protein (p.Val132Ile). This variant is present in population databases (rs761493685, gnomAD 0.002%). This variant has not been reported in the literature in individuals affected with PRIMA1-related conditions. ClinVar contains an entry for this variant (Variation ID: 939389). Algorithms developed to predict the effect of missense changes on protein structure and function output the following: SIFT: "Not Available"; PolyPhen-2: "Benign"; Align-GVGD: "Not Available". The isoleucine amino acid residue is found in multiple mammalian species, which suggests that this missense change does not adversely affect protein function. In summary, the available evidence is currently insufficient to determine the role of this variant in disease. Therefore, it has been classified as a Variant of Uncertain Significance.